The following is an entry in ClinVar:

ClinVar aggregate classification (germline): Uncertain significance (1 of 4 stars; one submission).

Allele frequency attached by ClinVar (database versions not stated): gnomAD exomes below 0.00001; TOPMed 0.00001.
gnomAD v4.1: 6 of 1,606,590 alleles (0.00037%); highest among the groups gnomAD compares: Non-Finnish European, 0.00051%; no homozygotes.

Submission:

Labcorp Genetics (formerly Invitae), Labcorp
Classification: Uncertain significance. Last evaluated: 2022-08-21. Review status: criteria provided, single submitter. Criteria: Invitae Variant Classification Sherloc (09022015). Collection method: clinical testing. Allele origin: germline.
Comment: This sequence change replaces proline, which is neutral and non-polar, with leucine, which is neutral and non-polar, at codon 650 of the CDK13 protein (p.Pro650Leu). This variant is not present in population databases (gnomAD no frequency). This variant has not been reported in the literature in individuals affected with CDK13-related conditions. Advanced modeling of protein sequence and biophysical properties (such as structural, functional, and spatial information, amino acid conservation, physicochemical variation, residue mobility, and thermodynamic stability) performed at Invitae indicates that this missense variant is expected to disrupt CDK13 protein function. In summary, the available evidence is currently insufficient to determine the role of this variant in disease. Therefore, it has been classified as a Variant of Uncertain Significance.

NM_003718.5(CDK13):c.1949C>T (p.Pro650Leu)

Gene: CDK13 (cyclin dependent kinase 13; plus strand). Cytogenetic location: 7p14.1.
Variant type: single nucleotide variant.
Coding change: c.1949C>T on transcript NM_003718.5 (MANE Select); coding-DNA position 1949, C replaced by T.
Protein change: p.Pro650Leu; replaces proline 650 with leucine.
Molecular consequence: missense variant.
Genome position (GRCh38, 1-based): chr7:39,997,571, C>T. VCF-style: chr7-39997571-C-T. GRCh37 (hg19) VCF-style: chr7-40037170-C-T.
Other names: c.1949C>T, p.Pro650Leu (NM_031267.4); short protein forms P650L.
Identifiers: ClinVar variation 2127355 (VCV002127355.4), dbSNP rs1784591342, ClinGen allele CA367287281.
Genomic context (GRCh38, chr7:39,997,571, plus strand): 5'-CAGTAAAAGCAGTTAAAAAAGAAGTAGAAAAGAAACTCCGATGTCTTCTTGCTGATTTAC[C>T]GCTGCCCCCTGAGCTACCAGGAGGAGATGATCTTTCAAAGAGTCCAGAGGAAAAGAAAAC-3'
Protein context (NP_003709.3, residues 640-660): KKLRCLLADL[Pro650Leu]LPPELPGGDD